The following is an entry in ClinVar:

NM_001853.4(COL9A3):c.1738C>G (p.Pro580Ala)

Gene: COL9A3 (collagen type IX alpha 3 chain; plus strand). Cytogenetic location: 20q13.33.
Variant type: single nucleotide variant.
Coding change: c.1738C>G on transcript NM_001853.4 (MANE Select); coding-DNA position 1738, C replaced by G.
Protein change: p.Pro580Ala; replaces proline 580 with alanine.
Molecular consequence: missense variant.
Genome position (GRCh38, 1-based): chr20:62,837,217, C>G. VCF-style: chr20-62837217-C-G. GRCh37 (hg19) VCF-style: chr20-61468569-C-G.
Other names: short protein forms P580A.
Identifiers: ClinVar variation 1354244 (VCV001354244.6), dbSNP rs781030374, ClinGen allele CA409599520.

ClinVar aggregate classification (germline): Uncertain significance (1 of 4 stars; one submission).

Allele frequency attached by ClinVar (database versions not stated): gnomAD 0.00001.
gnomAD v4.1: 7 of 1,612,318 alleles (0.00043%); highest among the groups gnomAD compares: African/African-American, 0.0013%; no homozygotes.

Submission:

Labcorp Genetics (formerly Invitae), Labcorp
Classification: Uncertain significance. Last evaluated: 2024-06-25. Review status: criteria provided, single submitter. Criteria: Invitae Variant Classification Sherloc (09022015). Collection method: clinical testing. Allele origin: germline.
Comment: This sequence change replaces proline, which is neutral and non-polar, with alanine, which is neutral and non-polar, at codon 580 of the COL9A3 protein (p.Pro580Ala). This variant is not present in population databases (gnomAD no frequency). This variant has not been reported in the literature in individuals affected with COL9A3-related conditions. ClinVar contains an entry for this variant (Variation ID: 1354244). Advanced modeling of protein sequence and biophysical properties (such as structural, functional, and spatial information, amino acid conservation, physicochemical variation, residue mobility, and thermodynamic stability) performed at Invitae indicates that this missense variant is not expected to disrupt COL9A3 protein function with a negative predictive value of 95%. In summary, the available evidence is currently insufficient to determine the role of this variant in disease. Therefore, it has been classified as a Variant of Uncertain Significance.